The following is an entry in ClinVar:

NM_000097.7(CPOX):c.1070G>A (p.Cys357Tyr)

Gene: CPOX (coproporphyrinogen oxidase; minus strand). Cytogenetic location: 3q11.2.
Variant type: single nucleotide variant.
Coding change: c.1070G>A on transcript NM_000097.7 (MANE Select); coding-DNA position 1070, G replaced by A.
Protein change: p.Cys357Tyr; replaces cysteine 357 with tyrosine.
Molecular consequence: missense variant.
Genome position (GRCh38, 1-based): chr3:98,585,543, C>T on the plus strand (G>A on the coding strand, the complement: CPOX is on the minus strand). VCF-style: chr3-98585543-C-T. GRCh37 (hg19) VCF-style: chr3-98304387-C-T.
Other names: short protein forms C357Y.
Identifiers: ClinVar variation 2971443 (VCV002971443.3), dbSNP rs781577964, ClinGen allele CA2511526.

ClinVar aggregate classification (germline): Uncertain significance (1 of 4 stars; one submission).

Allele frequency attached by ClinVar (database versions not stated): TOPMed below 0.00001; ExAC 0.00001; gnomAD exomes 0.00001.
gnomAD v4.1: 11 of 1,614,116 alleles (0.00068%); highest among the groups gnomAD compares: Non-Finnish European, 0.00093%; no homozygotes.

Submission:

Labcorp Genetics (formerly Invitae), Labcorp
Classification: Uncertain significance. Last evaluated: 2023-08-03. Review status: criteria provided, single submitter. Criteria: Invitae Variant Classification Sherloc (09022015). Collection method: clinical testing. Allele origin: germline.
Comment: This variant is present in population databases (rs781577964, gnomAD 0.0009%). This sequence change replaces cysteine, which is neutral and slightly polar, with tyrosine, which is neutral and polar, at codon 357 of the CPOX protein (p.Cys357Tyr). Advanced modeling of protein sequence and biophysical properties (such as structural, functional, and spatial information, amino acid conservation, physicochemical variation, residue mobility, and thermodynamic stability) performed at Invitae indicates that this missense variant is expected to disrupt CPOX protein function. This missense change has been observed in individual(s) with a personal or family history of acute hepatic porphyria (PMID: 30385147). In summary, the available evidence is currently insufficient to determine the role of this variant in disease. Therefore, it has been classified as a Variant of Uncertain Significance.

Literature cited by the submitters: PubMed 30385147.